The following is an entry in ClinVar:

ClinVar aggregate classification (germline): Pathogenic (1 of 4 stars; one submission).

Submission:

GeneDx
Classification: Pathogenic. Last evaluated: 2022-02-10. Review status: criteria provided, single submitter. Criteria: GeneDx Variant Classification Process June 2021. Collection method: clinical testing. Allele origin: germline. Affected: yes.
Comment: Not observed in large population cohorts (gnomAD); Has not been previously published as pathogenic or benign to our knowledge; Frameshift variant predicted to result in protein truncation or nonsense mediated decay in a gene for which loss-of-function is a known mechanism of disease

NM_020791.4(TAOK1):c.2253_2256del (p.Glu752fs)

Gene: TAOK1 (TAO kinase 1; plus strand). Cytogenetic location: 17q11.2.
Variant type: Deletion.
Coding change: c.2253_2256del on transcript NM_020791.4 (MANE Select); coding-DNA positions 2253 to 2256, 4 bases deleted (TGAG; older notation c.2253_2256delTGAG).
Protein change: p.Glu752fs; shifts the reading frame from glutamic acid 752.
Molecular consequence: frameshift variant.
Genome position (GRCh38, 1-based): chr17:29,530,511-29,530,514, TGAG deleted; deleting any 4 consecutive bases within chr17:29,530,508-29,530,514 gives the same sequence; the c. name uses the placement nearest the transcript's 3' end. VCF-style (leftmost placement, unchanged base first): chr17-29530507-AGAGT-A. GRCh37 (hg19) VCF-style: chr17-27857525-AGAGT-A.
Other names: c.1809_1812del, p.Glu604fs (NM_025142.1); short protein forms E604fs, E752fs.
Identifiers: ClinVar variation 1310669 (VCV001310669.3), dbSNP rs2150772089, ClinGen allele CA2573054361.
Genomic context (GRCh38, chr17:29,530,507, plus strand): 5'-GCAAAATCCAAACCAGACAGTACAAAGCATTAAGAAATCACCTGCTGGAGACTACACCAA[AGAGT>A]GAGCACAAAGCTGTTCTGAAACGGCTCAAGGAGGAACAGACCCGGAAATTAGCTATCTTG-3'